The following is an entry in ClinVar:

ClinVar aggregate classification (germline): Likely benign (1 of 4 stars; one submission).

Conditions:
GSN-related disorder. Also called: GSN-related condition.

gnomAD v4.1: 133 of 1,611,602 alleles (0.0083%); highest among the groups gnomAD compares: Non-Finnish European, 0.011%; no homozygotes.

Submission:

PreventionGenetics, part of Exact Sciences
Classification: Likely benign for GSN-related condition. Last evaluated: 2025-07-30. Review status: criteria provided, single submitter. Criteria: ACMG Guidelines, 2015. Collection method: clinical testing. Allele origin: germline.
Comment: This variant is classified as likely benign based on ACMG/AMP sequence variant interpretation guidelines (Richards et al. 2015 PMID: 25741868, with internal and published modifications).

NM_198252.3(GSN):c.-9-1862G>T

Gene: GSN (gelsolin; plus strand). Cytogenetic location: 9q33.2.
Variant type: single nucleotide variant.
Coding change: c.-9-1862G>T on transcript NM_198252.3 (MANE Select); 1862 bases into the intron before 9 bases upstream of the start codon, G replaced by T.
Molecular consequence: intron variant. On other transcripts: 5 prime UTR variant (17).
Genome position (GRCh38, 1-based): chr9:121,300,101, G>T. VCF-style: chr9-121300101-G-T. GRCh37 (hg19) VCF-style: chr9-124062379-G-T.
Other names: c.-2G>T (NM_001127666.2, NM_001127667.2, NM_001353063.2 and 14 more transcripts); c.-9-1862G>T (NM_001353054.1, NM_001353053.1, NM_001353060.2 and 5 more transcripts); c.-1-1870G>T (NM_001353058.2, NM_001353059.2, NM_001353056.2 and 1 more transcripts); c.100-1862G>T (NM_001127663.2); c.-48-1823G>T (NM_001353055.2); c.-458-2810G>T (NM_001353078.2); c.43-1862G>T (NM_001258029.2); c.16-1862G>T (NM_001258030.2); and 1 more.
Identifiers: ClinVar variation 4985001 (VCV004985001.1).